The following is an entry in ClinVar:

NM_001349206.2(LPIN1):c.*1699G>A

Gene: LPIN1 (lipin 1; plus strand). Cytogenetic location: 2p25.1.
Variant type: single nucleotide variant.
Coding change: c.*1699G>A on transcript NM_001349206.2 (MANE Select); 1699 bases downstream of the stop codon, G replaced by A.
Molecular consequence: 3 prime UTR variant. On other transcripts: non-coding transcript variant (1).
Genome position (GRCh38, 1-based): chr2:11,826,490, G>A. VCF-style: chr2-11826490-G-A. GRCh37 (hg19) VCF-style: chr2-11966616-G-A.
Other names: c.*1699G>A (NM_001261427.3, NM_001261428.3, NM_001349199.2 and 9 more transcripts).
Identifiers: ClinVar variation 330944 (VCV000330944.5), dbSNP rs113103707, ClinGen allele CA10612080.

ClinVar aggregate classification (germline): Benign (1 of 4 stars; one submission).

Conditions:
Myoglobinuria, acute recurrent, autosomal recessive. Also called: MYOGLOBINURIA, FAMILIAL PAROXYSMAL PARALYTIC; RHABDOMYOLYSIS, ACUTE RECURRENT; Myoglobinuria, recurrent, autosomal recessive. Identifiers: Orphanet 99845, MedGen C1849386, MONDO:0009992, OMIM 268200.

Allele frequency attached by ClinVar (database versions not stated): gnomAD 0.01630 and 0.01727; TOPMed 0.01957; 1000 Genomes Project 0.02316; 1000 Genomes Project 30x 0.02342.

Submission:

Illumina Laboratory Services, Illumina
Classification: Benign for Myoglobinuria, acute recurrent, autosomal recessive. Last evaluated: 2018-01-12. Review status: criteria provided, single submitter. Criteria: ICSL Variant Classification Criteria 13 December 2019. Collection method: clinical testing. Allele origin: germline.
Comment: This variant was observed in the ICSL laboratory as part of a predisposition screen in an ostensibly healthy population. It had not been previously curated by ICSL or reported in the Human Gene Mutation Database (HGMD: prior to June 1st, 2018), and was therefore a candidate for classification through an automated scoring system. Utilizing variant allele frequency, disease prevalence and penetrance estimates, and inheritance mode, an automated score was calculated to assess if this variant is too frequent to cause the disease. Based on the score and internal cut-off values, a variant classified as benign is not then subjected to further curation. The score for this variant resulted in a classification of benign for this disease.